The following is an entry in ClinVar:

NM_006514.4(SCN10A):c.390-15A>G

Gene: SCN10A (sodium voltage-gated channel alpha subunit 10; minus strand). Cytogenetic location: 3p22.2.
Variant type: single nucleotide variant.
Coding change: c.390-15A>G on transcript NM_006514.4 (MANE Select); 15 bases into the intron before coding-DNA position 390, A replaced by G.
Molecular consequence: intron variant.
Genome position (GRCh38, 1-based): chr3:38,789,051, T>C on the plus strand (A>G on the coding strand, the complement: SCN10A is on the minus strand). VCF-style: chr3-38789051-T-C. GRCh37 (hg19) VCF-style: chr3-38830542-T-C.
Other names: c.390-15A>G (NM_001293307.2, NM_001293306.2).
Identifiers: ClinVar variation 390587 (VCV000390587.1), dbSNP rs1057523824, ClinGen allele CA16604590.
Genomic context (GRCh38, chr3:38,789,051, plus strand): 5'-CACACAATTAACCAAAATAGTGACCGTAATAAATAAACTGAACCACCTGAAAGGCCTGTG[T>C]TAAGGAAAAGCTGAGATCACCAAGTCTCTGTGATGTCATCTAGGATCACCTTGATGCTGA-3'

ClinVar aggregate classification (germline): Likely benign (1 of 4 stars; one submission).

Allele frequency attached by ClinVar (database versions not stated): gnomAD exomes below 0.00001.
gnomAD v4.1: 1 of 1,555,076 alleles (0.000064%); highest among the groups gnomAD compares: Admixed American, 0.0017%; no homozygotes.

Submission:

GeneDx
Classification: Likely benign. Last evaluated: 2016-11-07. Review status: criteria provided, single submitter. Criteria: GeneDx Variant Classification (06012015). Collection method: clinical testing. Allele origin: germline. Affected: yes.
Comment: This variant is considered likely benign or benign based on one or more of the following criteria: it is a conservative change, it occurs at a poorly conserved position in the protein, it is predicted to be benign by multiple in silico algorithms, and/or has population frequency not consistent with disease.